The following is an entry in ClinVar:

ClinVar aggregate classification (germline): Uncertain significance (1 of 4 stars; one submission).

Submission:

Labcorp Genetics (formerly Invitae), Labcorp
Classification: Uncertain significance. Last evaluated: 2025-12-08. Review status: criteria provided, single submitter. Criteria: Invitae Variant Classification Sherloc (09022015). Collection method: clinical testing. Allele origin: germline.
Comment: This sequence change replaces leucine, which is neutral and non-polar, with phenylalanine, which is neutral and non-polar, at codon 640 of the MSH3 protein (p.Leu640Phe). This variant is not present in population databases (gnomAD no frequency). This variant has not been reported in the literature in individuals affected with MSH3-related conditions. ClinVar contains an entry for this variant (Variation ID: 2110913). An algorithm developed to predict the effect of missense changes on protein structure and function (PolyPhen-2) suggests that this variant is likely to be tolerated. In summary, the available evidence is currently insufficient to determine the role of this variant in disease. Therefore, it has been classified as a Variant of Uncertain Significance.

NM_002439.5(MSH3):c.1920G>C (p.Leu640Phe)

Gene: MSH3 (mutS homolog 3; plus strand). Cytogenetic location: 5q14.1.
Variant type: single nucleotide variant.
Coding change: c.1920G>C on transcript NM_002439.5 (MANE Select); coding-DNA position 1920, G replaced by C.
Protein change: p.Leu640Phe; replaces leucine 640 with phenylalanine.
Molecular consequence: missense variant.
Genome position (GRCh38, 1-based): chr5:80,767,956, G>C. VCF-style: chr5-80767956-G-C. GRCh37 (hg19) VCF-style: chr5-80063775-G-C.
Other names: short protein forms L640F.
Identifiers: ClinVar variation 2110913 (VCV002110913.4), dbSNP rs2546773552, ClinGen allele CA360277477.